The following is an entry in ClinVar:

NM_001376.5(DYNC1H1):c.8425G>A (p.Ala2809Thr)

Gene: DYNC1H1 (dynein cytoplasmic 1 heavy chain 1; plus strand). Cytogenetic location: 14q32.31.
Variant type: single nucleotide variant.
Coding change: c.8425G>A on transcript NM_001376.5 (MANE Select); coding-DNA position 8425, G replaced by A.
Protein change: p.Ala2809Thr; replaces alanine 2809 with threonine.
Molecular consequence: missense variant.
Genome position (GRCh38, 1-based): chr14:102,019,974, G>A. VCF-style: chr14-102019974-G-A. GRCh37 (hg19) VCF-style: chr14-102486311-G-A.
Other names: short protein forms A2809T.
Identifiers: ClinVar variation 2875001 (VCV002875001.3), dbSNP rs2503781260, ClinGen allele CA391006685.

ClinVar aggregate classification (germline): Uncertain significance (1 of 4 stars; one submission).

Conditions:
Charcot-Marie-Tooth disease axonal type 2O. Also called: CHARCOT-MARIE-TOOTH NEUROPATHY, AXONAL, TYPE 2O; CHARCOT-MARIE-TOOTH DISEASE, AXONAL, AUTOSOMAL DOMINANT, TYPE 2O; Charcot-Marie-Tooth Neuropathy Type 2O; Charcot-Marie-Tooth disease, axonal, type 20. Identifiers: Orphanet 284232, MedGen C3280220, MONDO:0013644, OMIM 614228.

Submission:

Labcorp Genetics (formerly Invitae), Labcorp
Classification: Uncertain significance for Charcot-Marie-Tooth disease axonal type 2O. Last evaluated: 2024-03-13. Review status: criteria provided, single submitter. Criteria: Invitae Variant Classification Sherloc (09022015). Collection method: clinical testing. Allele origin: germline.
Comment: This sequence change replaces alanine, which is neutral and non-polar, with threonine, which is neutral and polar, at codon 2809 of the DYNC1H1 protein (p.Ala2809Thr). This variant is not present in population databases (gnomAD no frequency). This variant has not been reported in the literature in individuals affected with DYNC1H1-related conditions. Advanced modeling of protein sequence and biophysical properties (such as structural, functional, and spatial information, amino acid conservation, physicochemical variation, residue mobility, and thermodynamic stability) has been performed at Invitae for this missense variant, however the output from this modeling did not meet the statistical confidence thresholds required to predict the impact of this variant on DYNC1H1 protein function. In summary, the available evidence is currently insufficient to determine the role of this variant in disease. Therefore, it has been classified as a Variant of Uncertain Significance.